The following is an entry in ClinVar:

NM_001127222.2(CACNA1A):c.1534G>C (p.Glu512Gln)

Gene: CACNA1A (calcium voltage-gated channel subunit alpha1 A; minus strand). Cytogenetic location: 19p13.13.
Variant type: single nucleotide variant.
Coding change: c.1534G>C on transcript NM_001127222.2 (MANE Select); coding-DNA position 1534, G replaced by C.
Protein change: p.Glu512Gln; replaces glutamic acid 512 with glutamine.
Molecular consequence: missense variant.
Genome position (GRCh38, 1-based): chr19:13,317,133, C>G on the plus strand (G>C on the coding strand, the complement: CACNA1A is on the minus strand). VCF-style: chr19-13317133-C-G. GRCh37 (hg19) VCF-style: chr19-13427947-C-G.
Other names: c.1537G>C, p.Glu513Gln (NM_000068.4, NM_001127221.2, NM_001174080.2 and 1 more transcripts); short protein forms E513Q, E512Q.
Identifiers: ClinVar variation 570501 (VCV000570501.11), dbSNP rs375210532, ClinGen allele CA404345600.
Genomic context (GRCh38, chr19:13,317,133, plus strand): 5'-ATCAGGGAGTTGGCAGGGGTGGGGCTGGGTGATACTCACAAAGGAAGTCGGAGAGCCACT[C>G]GGGCTGGTTGTAGTGAACAATAGCAACACACAGCGTGTTGAGAGCTACCAAACTGAGTAC-3'
Protein context (NP_001120694.1, residues 502-522): CVAIVHYNQP[Glu512Gln]WLSDFLYYAE

ClinVar aggregate classification (germline): Uncertain significance. Review status: criteria provided, multiple submitters, no conflicts (2 of 4 stars). 2 submissions from 2 submitters: Uncertain significance (2). Last evaluated 2025-09-15.

Conditions:
Episodic ataxia type 2 (EA2). Also called: ACETAZOLAMIDE-RESPONSIVE HEREDITARY PAROXYSMAL CEREBELLAR ATAXIA; CEREBELLAR ATAXIA, PAROXYSMAL, ACETAZOLAMIDE-RESPONSIVE; CEREBELLOPATHY, HEREDITARY PAROXYSMAL; EPISODIC ATAXIA, NYSTAGMUS-ASSOCIATED; ATAXIA, EPISODIC, WITH NYSTAGMUS; ATAXIA, FAMILIAL PAROXYSMAL. Identifiers: Orphanet 97, MedGen C1720416, MONDO:0007163, OMIM 108500.
Developmental and epileptic encephalopathy, 42 (DEE42A). Also called: DEVELOPMENTAL AND EPILEPTIC ENCEPHALOPATHY 42A; EPILEPTIC ENCEPHALOPATHY, EARLY INFANTILE, 42A; Epileptic encephalopathy, early infantile, 42. Identifiers: MedGen C4310716, MONDO:0014917, OMIM 617106.

gnomAD v4.1: 4 of 1,606,926 alleles (0.00025%); highest among the groups gnomAD compares: Non-Finnish European, 0.00026%; no homozygotes.

Submissions (2):

Labcorp Genetics (formerly Invitae), Labcorp
Classification: Uncertain significance for Developmental and epileptic encephalopathy, 42; Episodic ataxia type 2. Last evaluated: 2025-09-15. Review status: criteria provided, single submitter. Criteria: Invitae Variant Classification Sherloc (09022015). Collection method: clinical testing. Allele origin: germline.
Comment: This sequence change replaces glutamic acid, which is acidic and polar, with glutamine, which is neutral and polar, at codon 513 of the CACNA1A protein (p.Glu513Gln). This variant is not present in population databases (gnomAD no frequency). This variant has not been reported in the literature in individuals affected with CACNA1A-related conditions. ClinVar contains an entry for this variant (Variation ID: 570501). Invitae Evidence Modeling of protein sequence and biophysical properties (such as structural, functional, and spatial information, amino acid conservation, physicochemical variation, residue mobility, and thermodynamic stability) indicates that this missense variant is not expected to disrupt CACNA1A protein function with a negative predictive value of 95%. In summary, the available evidence is currently insufficient to determine the role of this variant in disease. Therefore, it has been classified as a Variant of Uncertain Significance.

Athena Diagnostics
Classification: Uncertain significance. Last evaluated: 2017-12-04. Review status: criteria provided, single submitter. Criteria: Athena Diagnostics Criteria. Collection method: clinical testing. Allele origin: germline.